The following is an entry in ClinVar:

ClinVar aggregate classification (germline): Uncertain significance (1 of 4 stars; one submission).

Submission:

Labcorp Genetics (formerly Invitae), Labcorp
Classification: Uncertain significance. Last evaluated: 2024-09-12. Review status: criteria provided, single submitter. Criteria: Invitae Variant Classification Sherloc (09022015). Collection method: clinical testing. Allele origin: germline.
Comment: This sequence change replaces glycine, which is neutral and non-polar, with alanine, which is neutral and non-polar, at codon 789 of the GRIA3 protein (p.Gly789Ala). This variant is not present in population databases (gnomAD no frequency). This variant has not been reported in the literature in individuals affected with GRIA3-related conditions. Invitae Evidence Modeling of protein sequence and biophysical properties (such as structural, functional, and spatial information, amino acid conservation, physicochemical variation, residue mobility, and thermodynamic stability) indicates that this missense variant is not expected to disrupt GRIA3 protein function with a negative predictive value of 80%. In summary, the available evidence is currently insufficient to determine the role of this variant in disease. Therefore, it has been classified as a Variant of Uncertain Significance.

NM_000828.5(GRIA3):c.2366G>C (p.Gly789Ala)

Gene: GRIA3 (glutamate ionotropic receptor AMPA type subunit 3; plus strand). Cytogenetic location: Xq25.
Variant type: single nucleotide variant.
Coding change: c.2366G>C on transcript NM_000828.5 (MANE Plus Clinical); coding-DNA position 2366, G replaced by C.
Protein change: p.Gly789Ala; replaces glycine 789 with alanine.
Molecular consequence: missense variant. On other transcripts: intron variant (1).
Genome position (GRCh38, 1-based): chrX:123,465,715, G>C. VCF-style: chrX-123465715-G-C. GRCh37 (hg19) VCF-style: chrX-122599566-G-C.
Other names: c.2324+603G>C (NM_007325.5); short protein forms G789A.
Identifiers: ClinVar variation 3711054 (VCV003711054.2).